The following is an entry in ClinVar:

ClinVar aggregate classification (germline): Uncertain significance (1 of 4 stars; one submission).

Submission:

Labcorp Genetics (formerly Invitae), Labcorp
Classification: Uncertain significance. Last evaluated: 2023-08-24. Review status: criteria provided, single submitter. Criteria: Invitae Variant Classification Sherloc (09022015). Collection method: clinical testing. Allele origin: germline.
Comment: In summary, the available evidence is currently insufficient to determine the role of this variant in disease. Therefore, it has been classified as a Variant of Uncertain Significance. Algorithms developed to predict the effect of missense changes on protein structure and function output the following: SIFT: "Not Available"; PolyPhen-2: "Benign"; Align-GVGD: "Not Available". The serine amino acid residue is found in multiple mammalian species, which suggests that this missense change does not adversely affect protein function. ClinVar contains an entry for this variant (Variation ID: 1396561). This variant has not been reported in the literature in individuals affected with SI-related conditions. This variant is not present in population databases (gnomAD no frequency). This sequence change replaces asparagine, which is neutral and polar, with serine, which is neutral and polar, at codon 448 of the SI protein (p.Asn448Ser).

NM_001041.4(SI):c.1343A>G (p.Asn448Ser)

Gene: SI (sucrase-isomaltase; minus strand). Cytogenetic location: 3q26.1.
Variant type: single nucleotide variant.
Coding change: c.1343A>G on transcript NM_001041.4 (MANE Select); coding-DNA position 1343, A replaced by G.
Protein change: p.Asn448Ser; replaces asparagine 448 with serine.
Molecular consequence: missense variant.
Genome position (GRCh38, 1-based): chr3:165,059,018, T>C on the plus strand (A>G on the coding strand, the complement: SI is on the minus strand). VCF-style: chr3-165059018-T-C. GRCh37 (hg19) VCF-style: chr3-164776806-T-C.
Other names: short protein forms N448S.
Identifiers: ClinVar variation 1396561 (VCV001396561.6), dbSNP rs2108248318, ClinGen allele CA355029285.